The following is an entry in ClinVar:

NM_000322.5(PRPH2):c.582-67T>A

Gene: PRPH2 (peripherin 2; minus strand). Cytogenetic location: 6p21.1.
Variant type: single nucleotide variant.
Coding change: c.582-67T>A on transcript NM_000322.5 (MANE Select); 67 bases into the intron before coding-DNA position 582, T replaced by A.
Molecular consequence: intron variant.
Genome position (GRCh38, 1-based): chr6:42,704,678, A>T on the plus strand (T>A on the coding strand, the complement: PRPH2 is on the minus strand). VCF-style: chr6-42704678-A-T. GRCh37 (hg19) VCF-style: chr6-42672416-A-T.
Identifiers: ClinVar variation 1175285 (VCV001175285.3), dbSNP rs3818086, ClinGen allele CA12192333.
Genomic context (GRCh38, chr6:42,704,678, plus strand): 5'-GGGAAACAGACAGCTGGAGATGGGCTTCCCGGGCTTCTCAACAGGGGCCACTTCCTCCCA[A>T]CCCCTGCCTCTGGAAACCTAGAATAGTCATTCACTCGCACACTTGGTATATATTTGCTGT-3'

ClinVar aggregate classification (germline): Benign. Review status: criteria provided, single submitter (1 of 4 stars). 2 submissions from 2 submitters: Benign (1). 1 of the submissions does not count toward it. Last evaluated 2015-03-03.

Allele frequency attached by ClinVar (database versions not stated): gnomAD 0.56178 and 0.55830; 1000 Genomes Project 0.56749; 1000 Genomes Project 30x 0.57042; gnomAD exomes 0.52653; TOPMed 0.57642.
gnomAD v4.1: 851,815 of 1,607,666 alleles (53%); highest among the groups gnomAD compares: African/African-American, 67%; 227,368 homozygotes.

Submissions (2):

GeneDx
Classification: Benign. Last evaluated: 2015-03-03. Review status: criteria provided, single submitter. Criteria: GeneDx Variant Classification Process June 2021. Collection method: clinical testing. Allele origin: germline. Affected: yes.

Leiden Open Variation Database
Classification: Likely benign. Last evaluated: 2021-03-21. Review status: no assertion criteria provided. Collection method: curation. Allele origin: germline. Affected: yes. Not counted in ClinVar's aggregate classification.
Comment: Curator: Global Variome, with Curator vacancy. Submitter to LOVD: Julia Lopez.

Literature cited by the submitters: PubMed 16885924 (cited by Leiden Open Variation Database).